The following is an entry in ClinVar:

ClinVar aggregate classification (germline): Uncertain significance (0 of 4 stars; one submission).

Conditions:
SH2B1-related disorder. Also called: SH2B1-related condition.

gnomAD v4.1: 3 of 1,612,700 alleles (0.00019%); highest among the groups gnomAD compares: East Asian, 0.0045%; no homozygotes.

Submission:

PreventionGenetics, part of Exact Sciences
Classification: Uncertain significance for SH2B1-related condition. Last evaluated: 2024-01-05. Review status: no assertion criteria provided. Collection method: clinical testing. Allele origin: germline.
Comment: The SH2B1 c.550C>A variant is predicted to result in the amino acid substitution p.Pro184Thr. To our knowledge, this variant has not been reported in the literature. This variant is reported in 0.011% of alleles in individuals of East Asian descent in gnomAD. At this time, the clinical significance of this variant is uncertain due to the absence of conclusive functional and genetic evidence.

NM_001387430.1(SH2B1):c.550C>A (p.Pro184Thr)

Gene: SH2B1 (SH2B adaptor protein 1; plus strand). Cytogenetic location: 16p11.2.
Variant type: single nucleotide variant.
Coding change: c.550C>A on transcript NM_001387430.1 (MANE Select); coding-DNA position 550, C replaced by A.
Protein change: p.Pro184Thr; replaces proline 184 with threonine.
Molecular consequence: missense variant. On other transcripts: intron variant (1).
Genome position (GRCh38, 1-based): chr16:28,866,644, C>A. VCF-style: chr16-28866644-C-A. GRCh37 (hg19) VCF-style: chr16-28877965-C-A.
Other names: c.550C>A, p.Pro184Thr (NM_001145795.2, NM_001145796.2, NM_001145797.2 and 4 more transcripts); c.-26-730C>A (NM_001308294.2); short protein forms P184T.
Identifiers: ClinVar variation 3349605 (VCV003349605.1).
Genomic context (GRCh38, chr16:28,866,644, plus strand): 5'-GGCTCAGTCCGTGGCATCCTGCAGTGGCGGGGGACCGTTGACCCTCCCTCCTCCGCTGGG[C>A]CCCTGGAGACCTCGTCAGGCCCCCCAGTCTTAGGTGGAAACAGCAACTCCAACTCCTCTG-3'
Protein context (NP_001374359.1, residues 174-194): GTVDPPSSAG[Pro184Thr]LETSSGPPVL